The following is an entry in ClinVar:

NM_006846.4(SPINK5):c.1607+274G>A

Gene: SPINK5 (serine peptidase inhibitor Kazal type 5; plus strand). Cytogenetic location: 5q32.
Variant type: single nucleotide variant.
Coding change: c.1607+274G>A on transcript NM_006846.4 (MANE Select); 274 bases into the intron after coding-DNA position 1607, G replaced by A.
Molecular consequence: intron variant.
Genome position (GRCh38, 1-based): chr5:148,107,438, G>A. VCF-style: chr5-148107438-G-A. GRCh37 (hg19) VCF-style: chr5-147487001-G-A.
Other names: c.1607+274G>A (NM_001127698.2, NM_001127699.2).
Identifiers: ClinVar variation 673399 (VCV000673399.1), dbSNP rs11953763, ClinGen allele CA15370999.
Genomic context (GRCh38, chr5:148,107,438, plus strand): 5'-AAAAGCTCAATTTAATGGTTTTTTTTTAACACTTGATAATCTTCATTTGTGAAAAAGAGA[G>A]AGCAGAAATTTCATGATTTGGATTGGATGATCTTTTTGATGTCTTTCCCACTCCTGACAT-3'

ClinVar aggregate classification (germline): Benign (1 of 4 stars; one submission).

Allele frequency attached by ClinVar (database versions not stated): gnomAD 0.16368 and 0.16802; TOPMed 0.17107; 1000 Genomes Project 0.24621; 1000 Genomes Project 30x 0.24703.
gnomAD v4.1: 25,329 of 151,394 alleles (17%); highest among the groups gnomAD compares: African/African-American, 32%; 3,045 homozygotes.

Submission:

GeneDx
Classification: Benign. Last evaluated: 2018-06-16. Review status: criteria provided, single submitter. Criteria: GeneDx Variant Classification (06012015). Collection method: clinical testing. Allele origin: germline. Affected: yes.
Comment: This variant is considered likely benign or benign based on one or more of the following criteria: it is a conservative change, it occurs at a poorly conserved position in the protein, it is predicted to be benign by multiple in silico algorithms, and/or has population frequency not consistent with disease.